The following is an entry in ClinVar:

ClinVar aggregate classification (germline): Uncertain significance (1 of 4 stars; one submission).

Allele frequency attached by ClinVar (database versions not stated): gnomAD exomes below 0.00001; gnomAD 0.00001; TOPMed 0.00001.
gnomAD v4.1: 5 of 1,613,178 alleles (0.00031%); highest among the groups gnomAD compares: Middle Eastern, 0.016%; no homozygotes.

Submission:

Labcorp Genetics (formerly Invitae), Labcorp
Classification: Uncertain significance. Last evaluated: 2024-10-28. Review status: criteria provided, single submitter. Criteria: Invitae Variant Classification Sherloc (09022015). Collection method: clinical testing. Allele origin: germline.
Comment: This sequence change replaces proline, which is neutral and non-polar, with leucine, which is neutral and non-polar, at codon 1442 of the PCDH15 protein (p.Pro1442Leu). This variant is present in population databases (no rsID available, gnomAD 0.0009%). This variant has not been reported in the literature in individuals affected with PCDH15-related conditions. ClinVar contains an entry for this variant (Variation ID: 2174277). Invitae Evidence Modeling of protein sequence and biophysical properties (such as structural, functional, and spatial information, amino acid conservation, physicochemical variation, residue mobility, and thermodynamic stability) indicates that this missense variant is not expected to disrupt PCDH15 protein function with a negative predictive value of 95%. In summary, the available evidence is currently insufficient to determine the role of this variant in disease. Therefore, it has been classified as a Variant of Uncertain Significance.

NM_001384140.1(PCDH15):c.4325C>T (p.Pro1442Leu)

Gene: PCDH15 (protocadherin related 15; minus strand). Cytogenetic location: 10q21.1.
Variant type: single nucleotide variant.
Coding change: c.4325C>T on transcript NM_001384140.1 (MANE Select); coding-DNA position 4325, C replaced by T.
Protein change: p.Pro1442Leu; replaces proline 1442 with leucine.
Molecular consequence: missense variant.
Genome position (GRCh38, 1-based): chr10:53,827,435, G>A on the plus strand (C>T on the coding strand, the complement: PCDH15 is on the minus strand). VCF-style: chr10-53827435-G-A. GRCh37 (hg19) VCF-style: chr10-55587195-G-A.
Other names: c.4340C>T, p.Pro1447Leu (NM_001142763.2, NM_001142771.2); c.4325C>T, p.Pro1442Leu (NM_001142764.2, NM_001142770.3, NM_001142772.2 and 3 more transcripts); c.4112C>T, p.Pro1371Leu (NM_001142765.2); c.4316C>T, p.Pro1439Leu (NM_001142766.2); c.4205C>T, p.Pro1402Leu (NM_001142767.2); c.4259C>T, p.Pro1420Leu (NM_001142768.2, NM_001354404.2); c.4361C>T, p.Pro1454Leu (NM_001142769.4); c.4250C>T, p.Pro1417Leu (NM_001142773.2); and 1 more; short protein forms P1447L, P1449L, P1417L, P1420L, P1439L, P1442L, P1371L, P1402L.
Identifiers: ClinVar variation 2174277 (VCV002174277.3), dbSNP rs1397371546, ClinGen allele CA376527638.
Genomic context (GRCh38, chr10:53,827,435, plus strand): 5'-CCTGAACGGTCTACTTACATTGAGCTGTCTCCAAGTTCTTCATAGAGATGCGCACCTGGC[G>A]GAGGCGGCGGCGGCGGCGGGGGCGCTGCCACTGGTGCAGGAGCCGGCACTGCTGGTTTAG-3'
Protein context (NP_001371069.1, residues 1432-1452): VAAPPPPPPP[Pro1442Leu]PGAHLYEELG